The following is an entry in ClinVar:

ClinVar aggregate classification (germline): Uncertain significance. Review status: criteria provided, multiple submitters, no conflicts (2 of 4 stars). 2 submissions from 2 submitters: Uncertain significance (2). Last evaluated 2025-04-13.

Conditions:
Inborn genetic diseases. Identifiers: MedGen C0950123, MeSH D030342.
Immunodeficiency 104. Also called: Severe combined immunodeficiency, autosomal recessive, T cell-negative, B cell-positive, NK cell-positive; SCID, AUTOSOMAL RECESSIVE, T CELL-NEGATIVE, B CELL-POSITIVE, NK CELL-POSITIVE; IMMUNODEFICIENCY 104, SEVERE COMBINED; Severe Combined Immune Deficiency, Autosomal Recessive, TCell -Negative, B Cell-Positive, NK Cell-Positive, IL7R-Related. Identifiers: MedGen C5676890, MONDO:0012163, OMIM 608971.

Allele frequency attached by ClinVar (database versions not stated): ExAC 0.00001; gnomAD exomes 0.00001 and 0.00002; TOPMed 0.00001; gnomAD 0.00003.
gnomAD v4.1: 28 of 1,612,644 alleles (0.0017%); highest among the groups gnomAD compares: Middle Eastern, 0.066%; no homozygotes.

Submissions (2):

Ambry Genetics
Classification: Uncertain significance for Inborn genetic diseases. Last evaluated: 2025-04-13. Review status: criteria provided, single submitter. Criteria: Ambry Variant Classification Scheme 2023. Collection method: clinical testing. Allele origin: germline.

Labcorp Genetics (formerly Invitae), Labcorp
Classification: Uncertain significance for Immunodeficiency 104. Last evaluated: 2022-06-20. Review status: criteria provided, single submitter. Criteria: Invitae Variant Classification Sherloc (09022015). Collection method: clinical testing. Allele origin: germline.
Comment: This sequence change replaces tyrosine, which is neutral and polar, with cysteine, which is neutral and slightly polar, at codon 1229 of the PTPRC protein (p.Tyr1229Cys). This variant is present in population databases (rs747330174, gnomAD 0.003%). This variant has not been reported in the literature in individuals affected with PTPRC-related conditions. ClinVar contains an entry for this variant (Variation ID: 1001742). Algorithms developed to predict the effect of missense changes on protein structure and function are either unavailable or do not agree on the potential impact of this missense change (SIFT: "Deleterious"; PolyPhen-2: "Probably Damaging"; Align-GVGD: "Class C0"). In summary, the available evidence is currently insufficient to determine the role of this variant in disease. Therefore, it has been classified as a Variant of Uncertain Significance.

NM_002838.5(PTPRC):c.3686A>G (p.Tyr1229Cys)

Gene: PTPRC (protein tyrosine phosphatase receptor type C; plus strand). Cytogenetic location: 1q32.1.
Variant type: single nucleotide variant.
Coding change: c.3686A>G on transcript NM_002838.5 (MANE Select); coding-DNA position 3686, A replaced by G.
Protein change: p.Tyr1229Cys; replaces tyrosine 1229 with cysteine.
Molecular consequence: missense variant.
Genome position (GRCh38, 1-based): chr1:198,755,946, A>G. VCF-style: chr1-198755946-A-G. GRCh37 (hg19) VCF-style: chr1-198725075-A-G.
Other names: c.3203A>G, p.Tyr1068Cys (NM_080921.4); c.3680A>G (NM_002838.3); short protein forms Y1068C, Y1229C.
Identifiers: ClinVar variation 1001742 (VCV001001742.10), dbSNP rs747330174, ClinGen allele CA1315538.